The following is an entry in ClinVar:

ClinVar aggregate classification (germline): Likely pathogenic. Review status: criteria provided, multiple submitters, no conflicts (2 of 4 stars). 3 submissions from 3 submitters: Likely pathogenic (3). Last evaluated 2026-01-20.

Conditions:
CEP164-related disorder. Also called: CEP164-related condition.
Nephronophthisis 15 (NPHP15). Identifiers: Orphanet 3156, MedGen C3541853, MONDO:0013917, OMIM 614845.

Submissions (3):

Variantyx, Inc.
Classification: Likely pathogenic for Nephronophthisis 15. Last evaluated: 2026-01-20. Review status: criteria provided, single submitter. Criteria: Variantyx Assertion Criteria 2022. Collection method: clinical testing. Allele origin: germline. Inheritance: Autosomal recessive inheritance. Affected: no.
Comment: This is a frameshift variant in the CEP164 gene (OMIM: 614848). Pathogenic variants in this gene have been associated with autosomal recessive nephronophthisis 15. This variant introduces a premature termination codon in exon 17 out of 33 and is expected to result in loss of function, which is a known disease mechanism for CEP164 in this disorder (PMID: 34499853,22863007,37324592) (PVS1). This variant is absent from control populations (PM2). Based on the current evidence, this variant is classified as likely pathogenic for autosomal recessive nephronophthisis 15.

GeneDx
Classification: Likely pathogenic. Last evaluated: 2020-09-17. Review status: criteria provided, single submitter. Criteria: GeneDx Variant Classification Process June 2021. Collection method: clinical testing. Allele origin: germline. Affected: yes.
Comment: Frameshift variant predicted to result in protein truncation or nonsense mediated decay in a gene for which loss-of-function is a known mechanism of disease; Not observed in large population cohorts (Lek et al., 2016); Has not been previously published as pathogenic or benign to our knowledge

Blueprint Genetics
Classification: Likely pathogenic for CEP164-related disorders. Last evaluated: 2019-10-29. Review status: criteria provided, single submitter. Criteria: ACMG Guidelines, 2015. Collection method: clinical testing. Allele origin: germline. Affected: yes. Observed: 1 variant allele.

Literature cited by the submitters: PubMed 34499853 (cited by Variantyx, Inc.); PubMed 22863007 (cited by Variantyx, Inc.); PubMed 37324592 (cited by Variantyx, Inc.).

NM_014956.5(CEP164):c.2233del (p.Glu745fs)

Gene: CEP164 (centrosomal protein 164; plus strand). Cytogenetic location: 11q23.3.
Variant type: Deletion.
Coding change: c.2233del on transcript NM_014956.5 (MANE Select); coding-DNA position 2233, one base deleted (G; older notation c.2233delG).
Protein change: p.Glu745fs; shifts the reading frame from glutamic acid 745.
Molecular consequence: frameshift variant.
Genome position (GRCh38, 1-based): chr11:117,391,165, G deleted; the last of 2 consecutive G bases (chr11:117,391,164-117,391,165); deleting either gives the same sequence. VCF-style (leftmost placement, unchanged base first): chr11-117391163-AG-A. GRCh37 (hg19) VCF-style: chr11-117261879-AG-A.
Other names: c.2233delG (NM_014956.4); c.2242del, p.Glu748fs (NM_001271933.2); short protein forms E748fs, E745fs.
Identifiers: ClinVar variation 817072 (VCV000817072.3), dbSNP rs1592354614, ClinGen allele CA915947752.